The following is an entry in ClinVar:

NM_001042545.2(LTBP4):c.2534G>C (p.Gly845Ala)

Gene: LTBP4 (latent transforming growth factor beta binding protein 4; plus strand). Cytogenetic location: 19q13.2.
Variant type: single nucleotide variant.
Coding change: c.2534G>C on transcript NM_001042545.2 (MANE Select); coding-DNA position 2534, G replaced by C.
Protein change: p.Gly845Ala; replaces glycine 845 with alanine.
Molecular consequence: missense variant.
Genome position (GRCh38, 1-based): chr19:40,613,506, G>C. VCF-style: chr19-40613506-G-C. GRCh37 (hg19) VCF-style: chr19-41119412-G-C.
Other names: c.2735G>C, p.Gly912Ala (NM_001042544.1); c.2624G>C, p.Gly875Ala (NM_003573.2); short protein forms G845A, G875A, G912A.
Identifiers: ClinVar variation 4804674 (VCV004804674.1).
Genomic context (GRCh38, chr19:40,613,506, plus strand): 5'-GCGAGTGCCTCAACACTGACGGCTCCTTTGCCTGTACTTGTGCCCCTGGCTACCGACCCG[G>C]ACCCCGCGGAGCCTCTTGCCTCGGTTCGTACCCGGGCTGATCCTGGCCCCGGAAAGGGTG-3'
Protein context (NP_001036010.1, residues 835-855): ACTCAPGYRP[Gly845Ala]PRGASCLDVD

ClinVar aggregate classification (germline): Uncertain significance (1 of 4 stars; one submission).

gnomAD v4.1: 35 of 1,574,906 alleles (0.0022%); highest among the groups gnomAD compares: Non-Finnish European, 0.0028%; no homozygotes.

Submission:

Labcorp Genetics (formerly Invitae), Labcorp
Classification: Uncertain significance. Last evaluated: 2026-01-14. Review status: criteria provided, single submitter. Criteria: Invitae Variant Classification Sherloc (09022015). Collection method: clinical testing. Allele origin: germline.
Comment: This sequence change replaces glycine, which is neutral and non-polar, with alanine, which is neutral and non-polar, at codon 875 of the LTBP4 protein (p.Gly875Ala). This variant is present in population databases (rs772023856, gnomAD 0.01%). This variant has not been reported in the literature in individuals affected with LTBP4-related conditions. Experimental studies and prediction algorithms are not available or were not evaluated, and the functional significance of this variant is currently unknown. In summary, the available evidence is currently insufficient to determine the role of this variant in disease. Therefore, it has been classified as a Variant of Uncertain Significance.